The following is an entry in ClinVar:

NM_001035.3(RYR2):c.5047C>A (p.Pro1683Thr)

Gene: RYR2 (ryanodine receptor 2; plus strand). Cytogenetic location: 1q43.
Variant type: single nucleotide variant.
Coding change: c.5047C>A on transcript NM_001035.3 (MANE Select); coding-DNA position 5047, C replaced by A.
Protein change: p.Pro1683Thr; replaces proline 1683 with threonine.
Molecular consequence: missense variant.
Genome position (GRCh38, 1-based): chr1:237,614,175, C>A. VCF-style: chr1-237614175-C-A. GRCh37 (hg19) VCF-style: chr1-237777475-C-A.
Other names: short protein forms P1683T.
Identifiers: ClinVar variation 4765018 (VCV004765018.1).

ClinVar aggregate classification (germline): Uncertain significance (1 of 4 stars; one submission).

Conditions:
Catecholaminergic polymorphic ventricular tachycardia 1. Also called: RYR2-Related Catecholaminergic Polymorphic Ventricular Tachycardia; VENTRICULAR TACHYCARDIA, STRESS-INDUCED POLYMORPHIC 1; VENTRICULAR TACHYCARDIA, CATECHOLAMINERGIC POLYMORPHIC, 1, WITH OR WITHOUT ATRIAL DYSFUNCTION AND/OR DILATED CARDIOMYOPATHY. Identifiers: Orphanet 3286, MedGen C1631597, MONDO:0011484, OMIM 604772.

Submission:

Labcorp Genetics (formerly Invitae), Labcorp
Classification: Uncertain significance for Catecholaminergic polymorphic ventricular tachycardia 1. Last evaluated: 2025-08-16. Review status: criteria provided, single submitter. Criteria: Invitae Variant Classification Sherloc (09022015). Collection method: clinical testing. Allele origin: germline.
Comment: This sequence change replaces proline, which is neutral and non-polar, with threonine, which is neutral and polar, at codon 1683 of the RYR2 protein (p.Pro1683Thr). This variant is not present in population databases (gnomAD no frequency). This variant has not been reported in the literature in individuals affected with RYR2-related conditions. Invitae Evidence Modeling of protein sequence and biophysical properties (such as structural, functional, and spatial information, amino acid conservation, physicochemical variation, residue mobility, and thermodynamic stability) indicates that this missense variant is not expected to disrupt RYR2 protein function with a negative predictive value of 95%. In summary, the available evidence is currently insufficient to determine the role of this variant in disease. Therefore, it has been classified as a Variant of Uncertain Significance.